The following is an entry in ClinVar:

ClinVar aggregate classification (germline): Conflicting classifications of pathogenicity. Review status: criteria provided, conflicting classifications (1 of 4 stars). 11 submissions from 11 submitters: Uncertain significance (1); Benign (4); Likely benign (3). 3 of the submissions do not count toward it. Last evaluated 2026-09-01.

Conditions:
EVC2-related disorder. Also called: EVC2-related condition.
Curry-Hall syndrome (WAD). Also called: WEYERS ACRODENTAL DYSOSTOSIS. Identifiers: Orphanet 952, MedGen C0457013, MONDO:0008673, OMIM 193530.
Ellis-van Creveld syndrome (EVC). Also called: MESOECTODERMAL DYSPLASIA; Chondroectodermal dysplasia. Identifiers: Orphanet 289, MedGen C0013903, MONDO:0009162, OMIM 225500.

Allele frequency attached by ClinVar (database versions not stated): 1000 Genomes Project 0.00200; 1000 Genomes Project 30x 0.00265; TOPMed 0.00334; gnomAD exomes 0.00367 and 0.00591; ExAC 0.00396; gnomAD 0.00398 and 0.00406; ESP Exome Variant Server 0.00538.
gnomAD v4.1: 9,229 of 1,614,032 alleles (0.57%); highest among the groups gnomAD compares: Non-Finnish European, 0.71%; 29 homozygotes.

Submissions (11):

CeGaT Center for Human Genetics Tuebingen
Classification: Likely benign. Last evaluated: 2026-09-01. Review status: criteria provided, single submitter. Criteria: CeGaT Center For Human Genetics Tuebingen Variant Classification Criteria Version 2. Collection method: clinical testing. Allele origin: germline. Affected: yes. Observed: 26 variant alleles.
Comment: EVC2: BS2

Women's Health and Genetics/Laboratory Corporation of America, LabCorp
Classification: Likely benign. Last evaluated: 2026-06-02. Review status: criteria provided, single submitter. Criteria: LabCorp Variant Classification Summary - May 2015. Collection method: clinical testing. Allele origin: germline.
Comment: Variant summary: EVC2 c.1364C>G (p.Thr455Arg) results in a non-conservative amino acid change in the encoded protein sequence. Algorithms developed to predict the effect of missense changes on protein structure and function are either unavailable or do not agree on the potential impact of this missense change. The variant allele was found at a frequency of 0.0037 in 251464 control chromosomes in the gnomAD database, including 4 homozygotes. The observed variant frequency exceeds the estimated maximal expected allele frequency for disease-causing variants in EVC2. c.1364C>G has been observed in individual(s) affected with congenital heart disease, without strong evidence for causality (Izarzugaza_2020). These report(s) do not provide unequivocal conclusions about association of the variant with disease. To our knowledge, no experimental evidence demonstrating an impact on protein function has been reported. The following publication has been ascertained in the context of this evaluation (PMID: 32859249). ClinVar contains an entry for this variant (Variation ID: 193762). Based on the evidence outlined above, the variant was classified as likely benign.

Labcorp Genetics (formerly Invitae), Labcorp
Classification: Benign for Curry-Hall syndrome; Ellis-van Creveld syndrome. Last evaluated: 2026-02-04. Review status: criteria provided, single submitter. Criteria: Invitae Variant Classification Sherloc (09022015). Collection method: clinical testing. Allele origin: germline.

ARUP Laboratories, Molecular Genetics and Genomics, ARUP Laboratories
Classification: Benign. Last evaluated: 2024-11-15. Review status: criteria provided, single submitter. Criteria: ARUP Molecular Germline Variant Investigation Process 2024. Collection method: clinical testing. Allele origin: germline.

GeneDx
Classification: Benign. Last evaluated: 2018-11-29. Review status: criteria provided, single submitter. Criteria: GeneDx Variant Classification Process June 2021. Collection method: clinical testing. Allele origin: germline. Affected: yes.
Comment: This variant is associated with the following publications: (PMID: 32859249)

Illumina Laboratory Services, Illumina
Classification: Likely benign for Ellis-van Creveld syndrome. Last evaluated: 2018-01-12. Review status: criteria provided, single submitter. Criteria: ICSL Variant Classification Criteria 13 December 2019. Collection method: clinical testing. Allele origin: germline.
Comment: This variant was observed in the ICSL laboratory as part of a predisposition screen in an ostensibly healthy population. It had not been previously curated by ICSL or reported in the Human Gene Mutation Database (HGMD: prior to June 1st, 2018), and was therefore a candidate for classification through an automated scoring system. Utilizing variant allele frequency, disease prevalence and penetrance estimates, and inheritance mode, an automated score was calculated to assess if this variant is too frequent to cause the disease. Based on the score and internal cut-off values, a variant classified as likely benign is not then subjected to further curation. The score for this variant resulted in a classification of likely benign for this disease.

Baylor Genetics
Classification: Uncertain significance for Ellis-van Creveld syndrome. Last evaluated: 2017-09-01. Review status: criteria provided, single submitter. Criteria: ACMG Guidelines, 2015. Collection method: clinical testing. Allele origin: germline. Inheritance: Autosomal recessive inheritance.
Comment: Heterozygotes would be expected to be asymptomatic carriers.

Eurofins Ntd Llc (ga)
Classification: Benign. Last evaluated: 2015-02-11. Review status: criteria provided, single submitter. Criteria: EGL Classification Definitions 2015. Collection method: clinical testing. Allele origin: germline. Observed: 2 variant alleles, 2 heterozygotes.

PreventionGenetics, part of Exact Sciences
Classification: Likely benign for EVC2-related condition. Last evaluated: 2020-11-09. Review status: no assertion criteria provided. Collection method: clinical testing. Allele origin: germline. Not counted in ClinVar's aggregate classification.
Comment: This variant is classified as likely benign based on ACMG/AMP sequence variant interpretation guidelines (Richards et al. 2015 PMID: 25741868, with internal and published modifications).

Clinical Genetics DNA and cytogenetics Diagnostics Lab, Erasmus MC, Erasmus Medical Center
Classification: Likely benign. Review status: no assertion criteria provided. Collection method: clinical testing. Allele origin: germline. Affected: yes. Study: VKGL Data-share Consensus. Not counted in ClinVar's aggregate classification.

Laboratory of Diagnostic Genome Analysis, Leiden University Medical Center (LUMC)
Classification: Likely benign. Review status: no assertion criteria provided. Collection method: clinical testing. Allele origin: germline. Affected: yes. Study: VKGL Data-share Consensus. Not counted in ClinVar's aggregate classification.

Literature cited by the submitters: PubMed 32859249 (cited by Women's Health and Genetics/Laboratory Corporation of America, LabCorp); PubMed 25326635 (cited by Baylor Genetics).

NM_147127.5(EVC2):c.1364C>G (p.Thr455Arg)

Genes: EVC2 (EvC ciliary complex subunit 2; minus strand), LOC126806961 (BRD4-independent group 4 enhancer GRCh37_chr4:5641443-5642642; plus strand). Cytogenetic location: 4p16.2.
Variant type: single nucleotide variant.
Coding change: c.1364C>G on transcript NM_147127.5 (MANE Select); coding-DNA position 1364, C replaced by G.
Protein change: p.Thr455Arg; replaces threonine 455 with arginine.
Molecular consequence: missense variant.
Genome position (GRCh38, 1-based): chr4:5,640,620, G>C on the plus strand (C>G on the coding strand, the complement: EVC2 is on the minus strand). VCF-style: chr4-5640620-G-C. GRCh37 (hg19) VCF-style: chr4-5642347-G-C.
Other names: c.1124C>G, p.Thr375Arg (NM_001166136.2); short protein forms T455R, T375R.
Identifiers: ClinVar variation 193762 (VCV000193762.61), dbSNP rs141287105, ClinGen allele CA200770.